The following is an entry in ClinVar:

ClinVar aggregate classification (germline): Conflicting classifications of pathogenicity. Review status: criteria provided, conflicting classifications (1 of 4 stars). 6 submissions from 5 submitters: Uncertain significance (1); Benign (1); Likely benign (3). 1 of the submissions does not count toward it. Last evaluated 2025-10-08.

Conditions:
ROR2-related disorder. Also called: ROR2-related disorders; ROR2-related condition.
Brachydactyly type B1 (BDB1). Identifiers: Orphanet 572385, Orphanet 93383, MedGen C1862112, MONDO:0007220, OMIM 113000.
Autosomal recessive Robinow syndrome (RRS1). Also called: COSTOVERTEBRAL SEGMENTATION DEFECT WITH MESOMELIA; COVESDEM SYNDROME; ROR2-Related Robinow Syndrome; ROBINOW SYNDROME, AUTOSOMAL RECESSIVE 1. Identifiers: Orphanet 1507, Orphanet 97360, MedGen C5399974, MONDO:0009999, OMIM 268310.

Allele frequency attached by ClinVar (database versions not stated): gnomAD exomes 0.00006 and 0.00039; gnomAD 0.00013 and 0.00016; TOPMed 0.00015; ExAC 0.00039; 1000 Genomes Project 30x 0.00094; 1000 Genomes Project 0.00100.
gnomAD v4.1: 128 of 1,614,142 alleles (0.0079%); highest among the groups gnomAD compares: East Asian, 0.24%; 1 homozygote.

Submissions (6):

Labcorp Genetics (formerly Invitae), Labcorp
Classification: Likely benign. Last evaluated: 2025-10-08. Review status: criteria provided, single submitter. Criteria: Invitae Variant Classification Sherloc (09022015). Collection method: clinical testing. Allele origin: germline.

GeneDx
Classification: Likely benign. Last evaluated: 2021-04-01. Review status: criteria provided, single submitter. Criteria: GeneDx Variant Classification Process June 2021. Collection method: clinical testing. Allele origin: germline. Affected: yes.

Illumina Laboratory Services, Illumina
Classification: Benign for Brachydactyly type B1. Last evaluated: 2018-01-13. Review status: criteria provided, single submitter. Criteria: ICSL Variant Classification Criteria 13 December 2019. Collection method: clinical testing. Allele origin: germline.
Comment: This variant was observed in the ICSL laboratory as part of a predisposition screen in an ostensibly healthy population. It had not been previously curated by ICSL or reported in the Human Gene Mutation Database (HGMD: prior to June 1st, 2018), and was therefore a candidate for classification through an automated scoring system. Utilizing variant allele frequency, disease prevalence and penetrance estimates, and inheritance mode, an automated score was calculated to assess if this variant is too frequent to cause the disease. Based on the score and internal cut-off values, a variant classified as benign is not then subjected to further curation. The score for this variant resulted in a classification of benign for this disease.

Illumina Laboratory Services, Illumina
Classification: Likely benign for Autosomal recessive Robinow syndrome. Last evaluated: 2018-01-13. Review status: criteria provided, single submitter. Criteria: ICSL Variant Classification Criteria 13 December 2019. Collection method: clinical testing. Allele origin: germline.
Comment: This variant was observed in the ICSL laboratory as part of a predisposition screen in an ostensibly healthy population. It had not been previously curated by ICSL or reported in the Human Gene Mutation Database (HGMD: prior to June 1st, 2018), and was therefore a candidate for classification through an automated scoring system. Utilizing variant allele frequency, disease prevalence and penetrance estimates, and inheritance mode, an automated score was calculated to assess if this variant is too frequent to cause the disease. Based on the score and internal cut-off values, a variant classified as likely benign is not then subjected to further curation. The score for this variant resulted in a classification of likely benign for this disease.

Genetic Services Laboratory, University of Chicago
Classification: Uncertain significance for Robinow syndrome, autosomal recessive. Last evaluated: 2014-01-08. Review status: criteria provided, single submitter. Criteria: ACMG Guidelines, 2007. Collection method: clinical testing. Allele origin: germline. Inheritance: Autosomal recessive inheritance.

PreventionGenetics, part of Exact Sciences
Classification: Likely benign for ROR2-related condition. Last evaluated: 2019-12-13. Review status: no assertion criteria provided. Collection method: clinical testing. Allele origin: germline. Not counted in ClinVar's aggregate classification.
Comment: This variant is classified as likely benign based on ACMG/AMP sequence variant interpretation guidelines (Richards et al. 2015 PMID: 25741868, with internal and published modifications).

NM_004560.4(ROR2):c.986G>A (p.Ser329Asn)

Gene: ROR2 (ROR family WNT receptor 2; minus strand). Cytogenetic location: 9q22.31.
Variant type: single nucleotide variant.
Coding change: c.986G>A on transcript NM_004560.4 (MANE Select); coding-DNA position 986, G replaced by A.
Protein change: p.Ser329Asn; replaces serine 329 with asparagine.
Molecular consequence: missense variant.
Genome position (GRCh38, 1-based): chr9:91,731,107, C>T on the plus strand (G>A on the coding strand, the complement: ROR2 is on the minus strand). VCF-style: chr9-91731107-C-T. GRCh37 (hg19) VCF-style: chr9-94493389-C-T.
Other names: c.986G>A, p.Ser329Asn (NM_001318204.2); short protein forms S329N.
Identifiers: ClinVar variation 159824 (VCV000159824.23), dbSNP rs371221714, ClinGen allele CA272469.